The following is an entry in ClinVar:

ClinVar aggregate classification (germline): Uncertain significance (1 of 4 stars; one submission).

Conditions:
Cardiovascular phenotype. Identifiers: MedGen CN230736.
Hereditary cancer-predisposing syndrome. Also called: Tumor predisposition; Hereditary neoplastic syndrome; Neoplastic Syndromes, Hereditary; Hereditary Cancer Syndrome. Identifiers: Orphanet 140162, MedGen C0027672, MeSH D009386, MONDO:0015356.

Submission:

Ambry Genetics
Classification: Uncertain significance for Cardiovascular phenotype; Hereditary cancer-predisposing syndrome. Last evaluated: 2019-07-17. Review status: criteria provided, single submitter. Criteria: Ambry Variant Classification Scheme 2023. Collection method: clinical testing. Allele origin: germline.
Comment: The p.R487G variant (also known as c.1459A>G), located in coding exon 13 of the NF1 gene, results from an A to G substitution at nucleotide position 1459. The arginine at codon 487 is replaced by glycine, an amino acid with dissimilar properties. This amino acid position is well conserved in available vertebrate species. In addition, the in silico prediction for this alteration is inconclusive. Since supporting evidence is limited at this time, the clinical significance of this alteration remains unclear.

NM_001042492.3(NF1):c.1459A>G (p.Arg487Gly)

Gene: NF1 (neurofibromin 1; plus strand). Cytogenetic location: 17q11.2.
Variant type: single nucleotide variant.
Coding change: c.1459A>G on transcript NM_001042492.3 (MANE Select); coding-DNA position 1459, A replaced by G.
Protein change: p.Arg487Gly; replaces arginine 487 with glycine.
Molecular consequence: missense variant.
Genome position (GRCh38, 1-based): chr17:31,214,517, A>G. VCF-style: chr17-31214517-A-G. GRCh37 (hg19) VCF-style: chr17-29541535-A-G.
Other names: c.1459A>G, p.Arg487Gly (NM_000267.4, NM_001128147.3); short protein forms R487G.
Identifiers: ClinVar variation 819270 (VCV000819270.4), dbSNP rs1597698420, ClinGen allele CA399001555.
Genomic context (GRCh38, chr17:31,214,517, plus strand): 5'-ACATTTAAAGAAAAAGTAACAAGCCTTAAATTTAAAGAAAAACCTACAGACCTGGAGACA[A>G]GAAGCTATAAGTATCTTCTCTTGTCCATGGTGAAACTAATTCATGCAGATCCAAAGCTCT-3'
Protein context (NP_001035957.1, residues 477-497): FKEKPTDLET[Arg487Gly]SYKYLLLSMV